The following is an entry in ClinVar:

NM_000719.7(CACNA1C):c.6250G>A (p.Gly2084Arg)

Genes: CACNA1C (calcium voltage-gated channel subunit alpha1 C; plus strand), CACNA1C-AS1 (CACNA1C antisense RNA 1; minus strand). Cytogenetic location: 12p13.33.
Variant type: single nucleotide variant.
Coding change: c.6250G>A on transcript NM_000719.7 (MANE Select); coding-DNA position 6250, G replaced by A.
Protein change: p.Gly2084Arg; replaces glycine 2084 with arginine.
Molecular consequence: missense variant.
Genome position (GRCh38, 1-based): chr12:2,691,032, G>A. VCF-style: chr12-2691032-G-A. GRCh37 (hg19) VCF-style: chr12-2800198-G-A.
Other names: c.6394G>A, p.Gly2132Arg (NM_001129827.2); c.6373G>A, p.Gly2125Arg (NM_001129829.2); c.6355G>A, p.Gly2119Arg (NM_001129830.3, NM_001167624.3); c.6334G>A, p.Gly2112Arg (NM_001129831.2); c.6310G>A, p.Gly2104Arg (NM_001129832.2); c.6307G>A, p.Gly2103Arg (NM_001129833.2, NM_001129834.2, NM_001129835.2); c.6301G>A, p.Gly2101Arg (NM_001129836.2); c.6274G>A, p.Gly2092Arg (NM_001129837.2, NM_001129838.2); and 6 more; short protein forms G2084R, G2132R, G2119R, G2073R, G2092R, G2103R, G2112R, G2125R.
Identifiers: ClinVar variation 411726 (VCV000411726.9), dbSNP rs1060503444, ClinGen allele CA16613792.
Genomic context (GRCh38, chr12:2,691,032, plus strand): 5'-GCCGACGCCTGCGACATGACCATAGAGGAGATGGAGAGCGCGGCCGACAACATCCTCAGC[G>A]GGGGCGCCCCACAGAGCCCCAATGGCGCCCTCTTACCCTTTGTGAACTGCAGGGACGCGG-3'
Protein context (NP_000710.5, residues 2074-2094): MESAADNILS[Gly2084Arg]GAPQSPNGAL

ClinVar aggregate classification (germline): Uncertain significance. Review status: criteria provided, multiple submitters, no conflicts (2 of 4 stars). 2 submissions from 2 submitters: Uncertain significance (2). Last evaluated 2022-12-16.

Conditions:
Long QT syndrome (LQTS). Identifiers: MedGen C0023976, MeSH D008133, MONDO:0002442. Disease mechanism: loss of function. Inheritance: Various modes of inheritance.
Cardiovascular phenotype. Identifiers: MedGen CN230736.

Allele frequency attached by ClinVar (database versions not stated): gnomAD exomes 0.00001.
gnomAD v4.1: 5 of 1,603,046 alleles (0.00031%); highest among the groups gnomAD compares: Non-Finnish European, 0.00043%; no homozygotes.

Submissions (2):

Ambry Genetics
Classification: Uncertain significance for Cardiovascular phenotype. Last evaluated: 2022-12-16. Review status: criteria provided, single submitter. Criteria: Ambry Variant Classification Scheme 2023. Collection method: clinical testing. Allele origin: germline.
Comment: The p.G2084R variant (also known as c.6250G>A), located in coding exon 47 of the CACNA1C gene, results from a G to A substitution at nucleotide position 6250. The glycine at codon 2084 is replaced by arginine, an amino acid with dissimilar properties. This amino acid position is highly conserved in available vertebrate species. In addition, the in silico prediction for this alteration is inconclusive. Since supporting evidence is limited at this time, the clinical significance of this alteration remains unclear.

Labcorp Genetics (formerly Invitae), Labcorp
Classification: Uncertain significance for Long QT syndrome. Last evaluated: 2016-09-23. Review status: criteria provided, single submitter. Criteria: Invitae Variant Classification Sherloc (09022015). Collection method: clinical testing. Allele origin: germline.
Comment: In summary, this variant is a novel missense change with uncertain impact on protein function and splicing. It has been classified as a Variant of Uncertain Significance. Algorithms developed to predict the effect of sequence changes on RNA splicing suggest that this variant may alter RNA splicing, but this prediction has not been confirmed by published transcriptional studies. Algorithms developed to predict the effect of missense changes on protein structure and function do not agree on the potential impact of this missense change (SIFT: "Deleterious"; PolyPhen-2: "Probably Damaging"; Align-GVGD: "Class C0"). This variant is not present in population databases (ExAC no frequency) and has not been reported in the literature in individuals with a CACNA1C-related disease. This sequence change replaces glycine with arginine at codon 2084 of the CACNA1C protein (p.Gly2084Arg). The glycine residue is moderately conserved and there is a moderate physicochemical difference between glycine and arginine.